The following is an entry in ClinVar:

ClinVar aggregate classification (germline): Pathogenic (1 of 4 stars; one submission).

Conditions:
Primary ciliary dyskinesia. Also called: Ciliary dyskinesia. Identifiers: Orphanet 244, MedGen C0008780, MONDO:0016575, HP:0012265.

Submission:

Labcorp Genetics (formerly Invitae), Labcorp
Classification: Pathogenic for Primary ciliary dyskinesia. Last evaluated: 2022-03-24. Review status: criteria provided, single submitter. Criteria: Invitae Variant Classification Sherloc (09022015). Collection method: clinical testing. Allele origin: germline.
Comment: This sequence change creates a premature translational stop signal (p.Ile3809Asnfs*2) in the DNAH5 gene. It is expected to result in an absent or disrupted protein product. Loss-of-function variants in DNAH5 are known to be pathogenic (PMID: 11788826, 16627867). This variant is not present in population databases (gnomAD no frequency). For these reasons, this variant has been classified as Pathogenic. Algorithms developed to predict the effect of sequence changes on RNA splicing suggest that this variant may disrupt the consensus splice site. This variant has not been reported in the literature in individuals affected with DNAH5-related conditions.

Literature cited by the submitters: PubMed 11788826; PubMed 16627867.

NM_001369.3(DNAH5):c.11425dup (p.Ile3809fs)

Gene: DNAH5 (dynein axonemal heavy chain 5; minus strand). Cytogenetic location: 5p15.2.
Variant type: Duplication.
Coding change: c.11425dup on transcript NM_001369.3 (MANE Select); coding-DNA position 11425, one base duplicated (A; older notation c.11425dupA).
Protein change: p.Ile3809fs; shifts the reading frame from isoleucine 3809.
Molecular consequence: frameshift variant.
Genome position (GRCh38, 1-based): chr5:13,737,282, T duplicated on the plus strand (A on the coding strand, the reverse complement: DNAH5 is on the minus strand); the first of 3 consecutive T bases (chr5:13,737,282-13,737,284); duplicating any one gives the same sequence. VCF-style (leftmost placement, unchanged base first): chr5-13737281-A-AT. GRCh37 (hg19) VCF-style: chr5-13737390-A-AT.
Other names: short protein forms I3809fs.
Identifiers: ClinVar variation 2040609 (VCV002040609.4), dbSNP rs2546568932, ClinGen allele CA2580072001.
Genomic context (GRCh38, chr5:13,737,281, plus strand): 5'-TGTGACATTTGTCTTTCATTACCAAACTCACCAGGTCTGTATTCCTCCCGGGCTGAGTTA[A>AT]TTTGAACTTCTGTCTCAGCAGAAATTTCTAGCTTCTGTGTCACCTCCTCGGCTGTCCTTT-3'